The following is an entry in ClinVar:

NM_000428.3(LTBP2):c.3281T>C (p.Leu1094Pro)

Gene: LTBP2 (latent transforming growth factor beta binding protein 2; minus strand). Cytogenetic location: 14q24.3.
Variant type: single nucleotide variant.
Coding change: c.3281T>C on transcript NM_000428.3 (MANE Select); coding-DNA position 3281, T replaced by C.
Protein change: p.Leu1094Pro; replaces leucine 1094 with proline.
Molecular consequence: missense variant.
Genome position (GRCh38, 1-based): chr14:74,509,360, A>G on the plus strand (T>C on the coding strand, the complement: LTBP2 is on the minus strand). VCF-style: chr14-74509360-A-G. GRCh37 (hg19) VCF-style: chr14-74976063-A-G.
Other names: c.3281T>C (NM_000428.2); short protein forms L1094P.
Identifiers: ClinVar variation 3715523 (VCV003715523.3).

ClinVar aggregate classification (germline): Uncertain significance. Review status: criteria provided, multiple submitters, no conflicts (2 of 4 stars). 2 submissions from 2 submitters: Uncertain significance (2). Last evaluated 2025-07-08.

Conditions:
Inborn genetic diseases. Identifiers: MedGen C0950123, MeSH D030342.

Submissions (2):

Ambry Genetics
Classification: Uncertain significance for Inborn genetic diseases. Last evaluated: 2025-07-08. Review status: criteria provided, single submitter. Criteria: Ambry Variant Classification Scheme 2023. Collection method: clinical testing. Allele origin: germline.

Labcorp Genetics (formerly Invitae), Labcorp
Classification: Uncertain significance. Last evaluated: 2025-01-28. Review status: criteria provided, single submitter. Criteria: Invitae Variant Classification Sherloc (09022015). Collection method: clinical testing. Allele origin: germline.
Comment: This sequence change replaces leucine, which is neutral and non-polar, with proline, which is neutral and non-polar, at codon 1094 of the LTBP2 protein (p.Leu1094Pro). This variant is not present in population databases (gnomAD no frequency). This variant has not been reported in the literature in individuals affected with LTBP2-related conditions. An algorithm developed to predict the effect of missense changes on protein structure and function (PolyPhen-2) suggests that this variant is likely to be disruptive. In summary, the available evidence is currently insufficient to determine the role of this variant in disease. Therefore, it has been classified as a Variant of Uncertain Significance.